The following is an entry in ClinVar:

NM_004655.4(AXIN2):c.183del (p.Leu62fs)

Gene: AXIN2 (axin 2; minus strand). Cytogenetic location: 17q24.1.
Variant type: Deletion.
Coding change: c.183del on transcript NM_004655.4 (MANE Select); coding-DNA position 183, one base deleted (G; older notation c.183delG).
Protein change: p.Leu62fs; shifts the reading frame from leucine 62.
Molecular consequence: frameshift variant.
Genome position (GRCh38, 1-based): chr17:65,558,438, C deleted on the plus strand (G on the coding strand, the reverse complement: AXIN2 is on the minus strand); the first of 3 consecutive C bases (chr17:65,558,438-65,558,440); deleting any one gives the same sequence. VCF-style (leftmost placement, unchanged base first): chr17-65558437-AC-A. GRCh37 (hg19) VCF-style: chr17-63554555-AC-A.
Other names: c.183del, p.Leu62fs (NM_001363813.1); short protein forms L62fs.
Identifiers: ClinVar variation 2583549 (VCV002583549.2), dbSNP rs2544254203, ClinGen allele CA2582342305.

ClinVar aggregate classification (germline): Pathogenic (1 of 4 stars; one submission).

Conditions:
Oligodontia-cancer predisposition syndrome. Also called: TOOTH AGENESIS-COLORECTAL CANCER SYNDROME. Identifiers: Orphanet 300576, MedGen C1837750, MONDO:0012075, OMIM 608615. Disease mechanism: loss of function.

Submission:

Myriad Genetics, Inc.
Classification: Pathogenic for Oligodontia-cancer predisposition syndrome. Last evaluated: 2023-05-17. Review status: criteria provided, single submitter. Criteria: Myriad Autosomal Dominant, Autosomal Recessive and X-Linked Classification Criteria (2023). Collection method: clinical testing. Allele origin: unknown.
Comment: This variant is considered pathogenic. This variant creates a frameshift predicted to result in premature protein truncation.